The following is an entry in ClinVar:

NM_006070.6(TFG):c.-43-1del

Gene: TFG (trafficking from ER to golgi regulator; plus strand). Cytogenetic location: 3q12.2.
Variant type: Deletion.
Coding change: c.-43-1del on transcript NM_006070.6 (MANE Select); the canonical splice acceptor site of the intron before 43 bases upstream of the start codon, one base deleted (G; older notation c.-43-1delG).
Molecular consequence: splice acceptor variant.
Genome position (GRCh38, 1-based): chr3:100,713,642, G deleted. VCF-style (leftmost placement, unchanged base first): chr3-100713641-AG-A. GRCh37 (hg19) VCF-style: chr3-100432485-AG-A.
Other names: c.-43-1del (NM_001007565.2, NM_001195479.2, NM_001195478.2).
Identifiers: ClinVar variation 423136 (VCV000423136.3), dbSNP rs759794499, ClinGen allele CA2516935.
Genomic context (GRCh38, chr3:100,713,641, plus strand): 5'-AGCTTTGCTCTCAACTTTTACGGTATGTTTTGTTGTTTAATTATCAAAACCACTTTTATC[AG>A]TCTTTCTCTAGAGTTGTATATATAGAACATCCTGGAGTCCACCATGAACGGACAGTTGGA-3'

ClinVar aggregate classification (germline): Uncertain significance (1 of 4 stars; one submission).

Allele frequency attached by ClinVar (database versions not stated): gnomAD 0.00004; gnomAD exomes 0.00004 and 0.00026; TOPMed 0.00011; ExAC 0.00032; 1000 Genomes Project 30x 0.00047.

Submission:

GeneDx
Classification: Uncertain significance. Last evaluated: 2024-01-09. Review status: criteria provided, single submitter. Criteria: GeneDx Variant Classification Process June 2021. Collection method: clinical testing. Allele origin: germline. Affected: yes.
Comment: Has not been previously published as pathogenic or benign to our knowledge; Canonical splice site variant in a gene for which loss-of-function is not a known mechanism of disease